The following is an entry in ClinVar:

NM_001466.4(FZD2):c.971A>T (p.Lys324Met)

Gene: FZD2 (frizzled class receptor 2; plus strand). Cytogenetic location: 17q21.31.
Variant type: single nucleotide variant.
Coding change: c.971A>T on transcript NM_001466.4 (MANE Select); coding-DNA position 971, A replaced by T.
Protein change: p.Lys324Met; replaces lysine 324 with methionine.
Molecular consequence: missense variant.
Genome position (GRCh38, 1-based): chr17:44,558,659, A>T. VCF-style: chr17-44558659-A-T. GRCh37 (hg19) VCF-style: chr17-42636027-A-T.
Other names: short protein forms K324M.
Identifiers: ClinVar variation 1917819 (VCV001917819.5), dbSNP rs1970855138, ClinGen allele CA399796011.
Genomic context (GRCh38, chr17:44,558,659, plus strand): 5'-TGGTGTGCAACGAGCGCTTCTCCGAGGACGGTTACCGCACGGTGGTGCAGGGCACCAAGA[A>T]GGAGGGCTGCACCATCCTCTTCATGATGCTCTACTTCTTCAGCATGGCCAGCTCCATCTG-3'
Protein context (NP_001457.1, residues 314-334): GYRTVVQGTK[Lys324Met]EGCTILFMML

ClinVar aggregate classification (germline): Uncertain significance (1 of 4 stars; one submission).

Allele frequency attached by ClinVar (database versions not stated): gnomAD exomes below 0.00001; TOPMed below 0.00001.

Submission:

Labcorp Genetics (formerly Invitae), Labcorp
Classification: Uncertain significance. Last evaluated: 2022-07-09. Review status: criteria provided, single submitter. Criteria: Invitae Variant Classification Sherloc (09022015). Collection method: clinical testing. Allele origin: germline.
Comment: This sequence change replaces lysine, which is basic and polar, with methionine, which is neutral and non-polar, at codon 324 of the FZD2 protein (p.Lys324Met). This variant is not present in population databases (gnomAD no frequency). This variant has not been reported in the literature in individuals affected with FZD2-related conditions. Algorithms developed to predict the effect of missense changes on protein structure and function (SIFT, PolyPhen-2, Align-GVGD) all suggest that this variant is likely to be disruptive. In summary, the available evidence is currently insufficient to determine the role of this variant in disease. Therefore, it has been classified as a Variant of Uncertain Significance.